The following is an entry in ClinVar:

NM_001197104.2(KMT2A):c.765A>C (p.Lys255Asn)

Gene: KMT2A (lysine methyltransferase 2A; plus strand). Cytogenetic location: 11q23.3.
Variant type: single nucleotide variant.
Coding change: c.765A>C on transcript NM_001197104.2 (MANE Select); coding-DNA position 765, A replaced by C.
Protein change: p.Lys255Asn; replaces lysine 255 with asparagine.
Molecular consequence: missense variant.
Genome position (GRCh38, 1-based): chr11:118,471,924, A>C. VCF-style: chr11-118471924-A-C. GRCh37 (hg19) VCF-style: chr11-118342639-A-C.
Other names: c.765A>C, p.Lys255Asn (NM_005933.4); short protein forms K255N.
Identifiers: ClinVar variation 1012592 (VCV001012592.42), dbSNP rs1555035634, ClinGen allele CA382807783.

ClinVar aggregate classification (germline): Uncertain significance. Review status: criteria provided, multiple submitters, no conflicts (2 of 4 stars). 2 submissions from 2 submitters: Uncertain significance (2). Last evaluated 2024-10-24.

Allele frequency attached by ClinVar (database versions not stated): gnomAD exomes below 0.00001.

Submissions (2):

Labcorp Genetics (formerly Invitae), Labcorp
Classification: Uncertain significance. Last evaluated: 2024-10-24. Review status: criteria provided, single submitter. Criteria: Invitae Variant Classification Sherloc (09022015). Collection method: clinical testing. Allele origin: germline.
Comment: This sequence change replaces lysine, which is basic and polar, with asparagine, which is neutral and polar, at codon 255 of the KMT2A protein (p.Lys255Asn). This variant is present in population databases (no rsID available, gnomAD 0.0009%). This variant has not been reported in the literature in individuals affected with KMT2A-related conditions. ClinVar contains an entry for this variant (Variation ID: 1012592). Invitae Evidence Modeling of protein sequence and biophysical properties (such as structural, functional, and spatial information, amino acid conservation, physicochemical variation, residue mobility, and thermodynamic stability) indicates that this missense variant is not expected to disrupt KMT2A protein function with a negative predictive value of 95%. In summary, the available evidence is currently insufficient to determine the role of this variant in disease. Therefore, it has been classified as a Variant of Uncertain Significance.

CeGaT Center for Human Genetics Tuebingen
Classification: Uncertain significance. Last evaluated: 2023-09-01. Review status: criteria provided, single submitter. Criteria: CeGaT Center For Human Genetics Tuebingen Variant Classification Criteria Version 2. Collection method: clinical testing. Allele origin: germline. Affected: yes. Observed: 2 variant alleles.